The following is an entry in ClinVar:

ClinVar aggregate classification (germline): Uncertain significance. Review status: criteria provided, multiple submitters, no conflicts (2 of 4 stars). 2 submissions from 2 submitters: Uncertain significance (2). Last evaluated 2023-11-14.

Conditions:
Inborn genetic diseases. Identifiers: MedGen C0950123, MeSH D030342.
Osteogenesis imperfecta type 7 (OI7). Also called: Osteogenesis imperfecta type 2B; OI type 2B; Osteogenesis imperfecta, perinatal lethal autosomal recessive; OI type IIB; OSTEOGENESIS IMPERFECTA, TYPE IIB; OI type 7. Identifiers: MedGen C1853162, MONDO:0012536, OMIM 610682.

Allele frequency attached by ClinVar (database versions not stated): gnomAD 0.00002; TOPMed 0.00002.
gnomAD v4.1: 11 of 1,614,110 alleles (0.00068%); highest among the groups gnomAD compares: East Asian, 0.0045%; no homozygotes.

Submissions (2):

Ambry Genetics
Classification: Uncertain significance for Inborn genetic diseases. Last evaluated: 2023-11-14. Review status: criteria provided, single submitter. Criteria: Ambry Variant Classification Scheme 2023. Collection method: clinical testing. Allele origin: germline.

Labcorp Genetics (formerly Invitae), Labcorp
Classification: Uncertain significance for Osteogenesis imperfecta type 7. Last evaluated: 2022-07-13. Review status: criteria provided, single submitter. Criteria: Invitae Variant Classification Sherloc (09022015). Collection method: clinical testing. Allele origin: germline.
Comment: This sequence change replaces glutamic acid, which is acidic and polar, with lysine, which is basic and polar, at codon 248 of the CRTAP protein (p.Glu248Lys). This variant is present in population databases (rs765752550, gnomAD 0.02%). This variant has not been reported in the literature in individuals affected with CRTAP-related conditions. ClinVar contains an entry for this variant (Variation ID: 1345499). Algorithms developed to predict the effect of missense changes on protein structure and function are either unavailable or do not agree on the potential impact of this missense change (SIFT: "Deleterious"; PolyPhen-2: "Probably Damaging"; Align-GVGD: "Class C15"). In summary, the available evidence is currently insufficient to determine the role of this variant in disease. Therefore, it has been classified as a Variant of Uncertain Significance.

NM_006371.5(CRTAP):c.742G>A (p.Glu248Lys)

Gene: CRTAP (cartilage associated protein; plus strand). Cytogenetic location: 3p22.3.
Variant type: single nucleotide variant.
Coding change: c.742G>A on transcript NM_006371.5 (MANE Select); coding-DNA position 742, G replaced by A.
Protein change: p.Glu248Lys; replaces glutamic acid 248 with lysine.
Molecular consequence: missense variant.
Genome position (GRCh38, 1-based): chr3:33,124,528, G>A. VCF-style: chr3-33124528-G-A. GRCh37 (hg19) VCF-style: chr3-33166020-G-A.
Other names: c.742G>A, p.Glu248Lys (NM_001393363.1, NM_001393364.1); c.592G>A, p.Glu198Lys (NM_001393365.1); c.742G>A (NM_006371.4); short protein forms E248K, E198K.
Identifiers: ClinVar variation 1345499 (VCV001345499.6), dbSNP rs765752550, ClinGen allele CA2300373.